The following is an entry in ClinVar:

ClinVar aggregate classification (germline): Uncertain significance (1 of 4 stars; one submission).

gnomAD v4.1: 1 of 1,614,154 alleles (0.000062%); highest among the groups gnomAD compares: South Asian, 0.0011%; no homozygotes.

Submission:

Labcorp Genetics (formerly Invitae), Labcorp
Classification: Uncertain significance. Last evaluated: 2024-10-21. Review status: criteria provided, single submitter. Criteria: Invitae Variant Classification Sherloc (09022015). Collection method: clinical testing. Allele origin: germline.
Comment: This sequence change replaces methionine, which is neutral and non-polar, with arginine, which is basic and polar, at codon 323 of the OPN1SW protein (p.Met323Arg). This variant is not present in population databases (gnomAD no frequency). This variant has not been reported in the literature in individuals affected with OPN1SW-related conditions. An algorithm developed to predict the effect of missense changes on protein structure and function (PolyPhen-2) suggests that this variant is likely to be tolerated. In summary, the available evidence is currently insufficient to determine the role of this variant in disease. Therefore, it has been classified as a Variant of Uncertain Significance.

NM_001385125.1(OPN1SW):c.959T>G (p.Met320Arg)

Genes: CALU (calumenin; plus strand), OPN1SW (opsin 1, short wave sensitive; minus strand). Cytogenetic location: 7q32.1.
Variant type: single nucleotide variant.
Coding change: c.959T>G on transcript NM_001385125.1 (MANE Select); coding-DNA position 959, T replaced by G.
Protein change: p.Met320Arg; replaces methionine 320 with arginine.
Molecular consequence: missense variant. On other transcripts: 3 prime UTR variant (5), non-coding transcript variant (1).
Genome position (GRCh38, 1-based): chr7:128,772,619, A>C on the plus strand (T>G on the coding strand, the complement: OPN1SW is on the minus strand). VCF-style: chr7-128772619-A-C. GRCh37 (hg19) VCF-style: chr7-128412673-A-C.
Other names: c.*3452A>C (NM_001130674.3, NM_001199671.2, NM_001199672.2 and 1 more transcripts); c.*3525A>C (NM_001199673.2); short protein forms M320R.
Identifiers: ClinVar variation 3723484 (VCV003723484.2).